The following is an entry in ClinVar:

NM_000135.4(FANCA):c.2628C>G (p.Phe876Leu)

Genes: FANCA (FA complementation group A; minus strand), LOC130059837 (ATAC-STARR-seq lymphoblastoid active region 11420; plus strand). Cytogenetic location: 16q24.3.
Variant type: single nucleotide variant.
Coding change: c.2628C>G on transcript NM_000135.4 (MANE Select); coding-DNA position 2628, C replaced by G.
Protein change: p.Phe876Leu; replaces phenylalanine 876 with leucine.
Molecular consequence: missense variant.
Genome position (GRCh38, 1-based): chr16:89,765,040, G>C on the plus strand (C>G on the coding strand, the complement: FANCA is on the minus strand). VCF-style: chr16-89765040-G-C. GRCh37 (hg19) VCF-style: chr16-89831448-G-C.
Other names: c.2628C>G, p.Phe876Leu (NM_001286167.3); short protein forms F876L.
Identifiers: ClinVar variation 2917752 (VCV002917752.3), dbSNP rs368987148, ClinGen allele CA397438871.

ClinVar aggregate classification (germline): Uncertain significance (1 of 4 stars; one submission).

Conditions:
Fanconi anemia (FA). Also called: Fanconi's anemia. Identifiers: Orphanet 84, MedGen C0015625, MeSH D005199, MONDO:0019391.

gnomAD v4.1: 3 of 1,614,200 alleles (0.00019%); highest among the groups gnomAD compares: East Asian, 0.0022%; no homozygotes.

Submission:

Labcorp Genetics (formerly Invitae), Labcorp
Classification: Uncertain significance for Fanconi anemia. Last evaluated: 2025-05-12. Review status: criteria provided, single submitter. Criteria: Invitae Variant Classification Sherloc (09022015). Collection method: clinical testing. Allele origin: germline.
Comment: This sequence change replaces phenylalanine, which is neutral and non-polar, with leucine, which is neutral and non-polar, at codon 876 of the FANCA protein (p.Phe876Leu). This variant is not present in population databases (gnomAD no frequency). This variant has not been reported in the literature in individuals affected with FANCA-related conditions. ClinVar contains an entry for this variant (Variation ID: 2917752). Invitae Evidence Modeling of protein sequence and biophysical properties (such as structural, functional, and spatial information, amino acid conservation, physicochemical variation, residue mobility, and thermodynamic stability) indicates that this missense variant is not expected to disrupt FANCA protein function with a negative predictive value of 95%. In summary, the available evidence is currently insufficient to determine the role of this variant in disease. Therefore, it has been classified as a Variant of Uncertain Significance.